The following is an entry in ClinVar:

NM_014043.4(CHMP2B):c.32A>T (p.Asp11Val)

Gene: CHMP2B (charged multivesicular body protein 2B; plus strand). Cytogenetic location: 3p11.2.
Variant type: single nucleotide variant.
Coding change: c.32A>T on transcript NM_014043.4 (MANE Select); coding-DNA position 32, A replaced by T.
Protein change: p.Asp11Val; replaces aspartic acid 11 with valine.
Molecular consequence: missense variant. On other transcripts: initiator codon variant (1).
Genome position (GRCh38, 1-based): chr3:87,227,554, A>T. VCF-style: chr3-87227554-A-T. GRCh37 (hg19) VCF-style: chr3-87276704-A-T.
Other names: c.1A>T, p.Met1Leu (NM_001244644.2, NM_001410777.1); short protein forms D11V, M1L.
Identifiers: ClinVar variation 1716890 (VCV001716890.7), dbSNP rs921275036, ClinGen allele CA353696330.

ClinVar aggregate classification (germline): Uncertain significance (1 of 4 stars; one submission).

Conditions:
Frontotemporal dementia and/or amyotrophic lateral sclerosis 7 (FTDALS7). Also called: CHMP2B-related frontotemporal dementia; AMYOTROPHIC LATERAL SCLEROSIS, CHMP2B-RELATED; Amyotrophic lateral sclerosis 17; CHMP2B-Related Frontotemporal Dementia-Amyotrophic Lateral Sclerosis. Identifiers: Orphanet 275864, Orphanet 282, Orphanet 803, MedGen C1833296, MONDO:0010936, OMIM 600795.

Submission:

Labcorp Genetics (formerly Invitae), Labcorp
Classification: Uncertain significance for Frontotemporal dementia and/or amyotrophic lateral sclerosis 7. Last evaluated: 2022-08-19. Review status: criteria provided, single submitter. Criteria: Invitae Variant Classification Sherloc (09022015). Collection method: clinical testing. Allele origin: germline.
Comment: In summary, the available evidence is currently insufficient to determine the role of this variant in disease. Therefore, it has been classified as a Variant of Uncertain Significance. Algorithms developed to predict the effect of missense changes on protein structure and function (SIFT, PolyPhen-2, Align-GVGD) all suggest that this variant is likely to be tolerated. This variant has not been reported in the literature in individuals affected with CHMP2B-related conditions. This variant is not present in population databases (gnomAD no frequency). This sequence change replaces aspartic acid, which is acidic and polar, with valine, which is neutral and non-polar, at codon 11 of the CHMP2B protein (p.Asp11Val).